The following is an entry in ClinVar:

NM_001355436.2(SPTB):c.544T>C (p.Trp182Arg)

Gene: SPTB (spectrin beta, erythrocytic; minus strand). Cytogenetic location: 14q23.3.
Variant type: single nucleotide variant.
Coding change: c.544T>C on transcript NM_001355436.2 (MANE Select); coding-DNA position 544, T replaced by C.
Protein change: p.Trp182Arg; replaces tryptophan 182 with arginine.
Molecular consequence: missense variant.
Genome position (GRCh38, 1-based): chr14:64,802,248, A>G on the plus strand (T>C on the coding strand, the complement: SPTB is on the minus strand). VCF-style: chr14-64802248-A-G. GRCh37 (hg19) VCF-style: chr14-65268966-A-G.
Other names: c.544T>C, p.Trp182Arg (NM_001024858.4, NM_001355437.2); short protein forms W182R.
Identifiers: ClinVar variation 4715508 (VCV004715508.1).

ClinVar aggregate classification (germline): Uncertain significance (1 of 4 stars; one submission).

Submission:

Labcorp Genetics (formerly Invitae), Labcorp
Classification: Uncertain significance. Last evaluated: 2025-03-19. Review status: criteria provided, single submitter. Criteria: Invitae Variant Classification Sherloc (09022015). Collection method: clinical testing. Allele origin: germline.
Comment: This sequence change replaces tryptophan, which is neutral and slightly polar, with arginine, which is basic and polar, at codon 182 of the SPTB protein (p.Trp182Arg). This variant is not present in population databases (gnomAD no frequency). This variant has not been reported in the literature in individuals affected with SPTB-related conditions. An algorithm developed to predict the effect of missense changes on protein structure and function (PolyPhen-2) suggests that this variant is likely to be disruptive. In summary, the available evidence is currently insufficient to determine the role of this variant in disease. Therefore, it has been classified as a Variant of Uncertain Significance.